The following is an entry in ClinVar:

ClinVar aggregate classification (germline): Uncertain significance. Review status: criteria provided, multiple submitters, no conflicts (2 of 4 stars). 5 submissions from 5 submitters: Uncertain significance (5). Last evaluated 2026-01-07.

Conditions:
Inborn genetic diseases. Identifiers: MedGen C0950123, MeSH D030342.
USH1C-related disorder. Also called: USH1C-related condition.
Usher syndrome type 1C. Also called: USHER SYNDROME, TYPE I, ACADIAN VARIETY. Identifiers: Orphanet 231169, Orphanet 886, MedGen C1848604, MONDO:0010171, OMIM 276904.

Allele frequency attached by ClinVar (database versions not stated): gnomAD exomes 0.00011 and 0.00007; gnomAD 0.00002; TOPMed 0.00003; ExAC 0.00007.
gnomAD v4.1: 156 of 1,614,020 alleles (0.0097%); highest among the groups gnomAD compares: Non-Finnish European, 0.013%; no homozygotes.

Submissions (6):

PreventionGenetics, part of Exact Sciences
Classification: Uncertain significance for USH1C-related condition. Last evaluated: 2026-01-07. Review status: criteria provided, single submitter. Criteria: ACMG Guidelines, 2015. Collection method: clinical testing. Allele origin: germline.
Comment: The USH1C c.875C>G variant is predicted to result in the amino acid substitution p.Ala292Gly. To our knowledge, this variant has not been reported in the literature. This variant is reported in 0.013% of alleles in individuals of European (Non-Finnish) descent in gnomAD. At this time, the clinical significance of this variant is uncertain due to the absence of conclusive functional and genetic evidence.

Blueprint Genetics
Classification: Uncertain significance. Last evaluated: 2024-01-18. Review status: criteria provided, single submitter. Criteria: ACMG Guidelines, 2015. Collection method: clinical testing. Allele origin: germline.

Ambry Genetics
Classification: Uncertain significance for Inborn genetic diseases. Last evaluated: 2023-12-20. Review status: criteria provided, single submitter. Criteria: Ambry Variant Classification Scheme 2023. Collection method: clinical testing. Allele origin: germline.

Labcorp Genetics (formerly Invitae), Labcorp
Classification: Uncertain significance. Last evaluated: 2022-08-16. Review status: criteria provided, single submitter. Criteria: Invitae Variant Classification Sherloc (09022015). Collection method: clinical testing. Allele origin: germline.
Comment: This sequence change replaces alanine, which is neutral and non-polar, with glycine, which is neutral and non-polar, at codon 292 of the USH1C protein (p.Ala292Gly). This variant is present in population databases (rs200322793, gnomAD 0.01%). This variant has not been reported in the literature in individuals affected with USH1C-related conditions. ClinVar contains an entry for this variant (Variation ID: 880339). Algorithms developed to predict the effect of missense changes on protein structure and function (SIFT, PolyPhen-2, Align-GVGD) all suggest that this variant is likely to be tolerated. Algorithms developed to predict the effect of sequence changes on RNA splicing suggest that this variant may create or strengthen a splice site. In summary, the available evidence is currently insufficient to determine the role of this variant in disease. Therefore, it has been classified as a Variant of Uncertain Significance.

Illumina Laboratory Services, Illumina
Classification: Uncertain significance for Usher syndrome type 1C. Last evaluated: 2017-04-27. Review status: criteria provided, single submitter. Criteria: ICSL Variant Classification Criteria 13 December 2019. Collection method: clinical testing. Allele origin: germline.

Dr. Peter K. Rogan Lab, Western University
No classification provided (evidence only). Condition: Gastric cancer. Review status: no classification provided. Collection method: in vitro. Allele origin: not applicable. Functional consequence: skipped exon, retained intron. Not counted in ClinVar's aggregate classification.

NM_153676.4(USH1C):c.875C>G (p.Ala292Gly)

Gene: USH1C (USH1 protein network component harmonin; minus strand). Cytogenetic location: 11p15.1.
Variant type: single nucleotide variant.
Coding change: c.875C>G on transcript NM_153676.4 (MANE Select); coding-DNA position 875, C replaced by G.
Protein change: p.Ala292Gly; replaces alanine 292 with glycine.
Molecular consequence: missense variant. On other transcripts: non-coding transcript variant (1), intron variant (1).
Genome position (GRCh38, 1-based): chr11:17,523,212, G>C on the plus strand (C>G on the coding strand, the complement: USH1C is on the minus strand). VCF-style: chr11-17523212-G-C. GRCh37 (hg19) VCF-style: chr11-17544759-G-C.
Other names: c.875C>G, p.Ala292Gly (NM_005709.4); c.819+207C>G (NM_001297764.2); c.875C>G (NM_153676.3); short protein forms A292G.
Identifiers: ClinVar variation 880339 (VCV000880339.9), dbSNP rs200322793, ClinGen allele CA5904828.